The following is an entry in ClinVar:

ClinVar aggregate classification (germline): Uncertain significance. Review status: criteria provided, multiple submitters, no conflicts (2 of 4 stars). 2 submissions from 2 submitters: Uncertain significance (2). Last evaluated 2022-07-19.

Allele frequency attached by ClinVar (database versions not stated): gnomAD 0.00001; gnomAD exomes 0.00001 and 0.00002; TOPMed 0.00001; ExAC 0.00002.
gnomAD v4.1: 18 of 1,611,986 alleles (0.0011%); highest among the groups gnomAD compares: Admixed American, 0.005%; no homozygotes.

Submissions (2):

Labcorp Genetics (formerly Invitae), Labcorp
Classification: Uncertain significance. Last evaluated: 2022-07-19. Review status: criteria provided, single submitter. Criteria: Invitae Variant Classification Sherloc (09022015). Collection method: clinical testing. Allele origin: germline.
Comment: This sequence change replaces alanine, which is neutral and non-polar, with threonine, which is neutral and polar, at codon 204 of the ABCA4 protein (p.Ala204Thr). This variant is present in population databases (rs754899561, gnomAD 0.01%). This missense change has been observed in individual(s) with ABCA4-related conditions (PMID: 17296903). ClinVar contains an entry for this variant (Variation ID: 1402978). Algorithms developed to predict the effect of missense changes on protein structure and function (SIFT, PolyPhen-2, Align-GVGD) all suggest that this variant is likely to be disruptive. In summary, the available evidence is currently insufficient to determine the role of this variant in disease. Therefore, it has been classified as a Variant of Uncertain Significance.

Blueprint Genetics
Classification: Uncertain significance. Last evaluated: 2020-11-13. Review status: criteria provided, single submitter. Criteria: ACMG Guidelines, 2015. Collection method: clinical testing. Allele origin: germline.

Literature cited by the submitters: PubMed 17296903 (cited by Labcorp Genetics (formerly Invitae), Labcorp).

NM_000350.3(ABCA4):c.610G>A (p.Ala204Thr)

Gene: ABCA4 (ATP binding cassette subfamily A member 4; minus strand). Cytogenetic location: 1p22.1.
Variant type: single nucleotide variant.
Coding change: c.610G>A on transcript NM_000350.3 (MANE Select); coding-DNA position 610, G replaced by A.
Protein change: p.Ala204Thr; replaces alanine 204 with threonine.
Molecular consequence: missense variant.
Genome position (GRCh38, 1-based): chr1:94,098,952, C>T on the plus strand (G>A on the coding strand, the complement: ABCA4 is on the minus strand). VCF-style: chr1-94098952-C-T. GRCh37 (hg19) VCF-style: chr1-94564508-C-T.
Other names: c.610G>A, p.Ala204Thr (NM_001425324.1); short protein forms A204T.
Identifiers: ClinVar variation 1402978 (VCV001402978.6), dbSNP rs754899561, ClinGen allele CA958785.